The following is an entry in ClinVar:

ClinVar aggregate classification (germline): Uncertain significance. Review status: criteria provided, multiple submitters, no conflicts (2 of 4 stars). 2 submissions from 2 submitters: Uncertain significance (2). Last evaluated 2025-10-14.

Conditions:
Inborn genetic diseases. Identifiers: MedGen C0950123, MeSH D030342.

Allele frequency attached by ClinVar (database versions not stated): gnomAD 0.00001; gnomAD exomes 0.00001; ExAC 0.00002; TOPMed 0.00002; ESP Exome Variant Server 0.00008.
gnomAD v4.1: 21 of 1,614,196 alleles (0.0013%); highest among the groups gnomAD compares: Admixed American, 0.0017%; no homozygotes.

Submissions (2):

Labcorp Genetics (formerly Invitae), Labcorp
Classification: Uncertain significance. Last evaluated: 2025-10-14. Review status: criteria provided, single submitter. Criteria: Invitae Variant Classification Sherloc (09022015). Collection method: clinical testing. Allele origin: germline.
Comment: This sequence change replaces alanine, which is neutral and non-polar, with threonine, which is neutral and polar, at codon 1617 of the POLR1A protein (p.Ala1617Thr). This variant is present in population databases (rs367979854, gnomAD 0.003%). This variant has not been reported in the literature in individuals affected with POLR1A-related conditions. ClinVar contains an entry for this variant (Variation ID: 1915371). Invitae Evidence Modeling of protein sequence and biophysical properties (such as structural, functional, and spatial information, amino acid conservation, physicochemical variation, residue mobility, and thermodynamic stability) indicates that this missense variant is expected to disrupt POLR1A protein function with a positive predictive value of 80%. In summary, the available evidence is currently insufficient to determine the role of this variant in disease. Therefore, it has been classified as a Variant of Uncertain Significance.

Ambry Genetics
Classification: Uncertain significance for Inborn genetic diseases. Last evaluated: 2023-04-20. Review status: criteria provided, single submitter. Criteria: Ambry Variant Classification Scheme 2023. Collection method: clinical testing. Allele origin: germline.

NM_015425.6(POLR1A):c.4849G>A (p.Ala1617Thr)

Gene: POLR1A (RNA polymerase I subunit A; minus strand). Cytogenetic location: 2p11.2.
Variant type: single nucleotide variant.
Coding change: c.4849G>A on transcript NM_015425.6 (MANE Select); coding-DNA position 4849, G replaced by A.
Protein change: p.Ala1617Thr; replaces alanine 1617 with threonine.
Molecular consequence: missense variant.
Genome position (GRCh38, 1-based): chr2:86,028,642, C>T on the plus strand (G>A on the coding strand, the complement: POLR1A is on the minus strand). VCF-style: chr2-86028642-C-T. GRCh37 (hg19) VCF-style: chr2-86255765-C-T.
Other names: c.4849G>A (NM_015425.3); short protein forms A1617T.
Identifiers: ClinVar variation 1915371 (VCV001915371.7), dbSNP rs367979854, ClinGen allele CA1745366.